The following is an entry in ClinVar:

ClinVar aggregate classification (germline): Conflicting classifications of pathogenicity. Review status: criteria provided, conflicting classifications (1 of 4 stars). 2 submissions from 2 submitters: Uncertain significance (1); Likely benign (1). Last evaluated 2025-08-29.

Conditions:
Dilated cardiomyopathy 1AA (CMD1AA). Also called: Cardiomyopathy, dilated, 1AA, with or without LVNC; CARDIOMYOPATHY, DILATED, 1AA, WITH OR WITHOUT LEFT VENTRICULAR NONCOMPACTION; CARDIOMYOPATHY, FAMILIAL HYPERTROPHIC, 23, WITH OR WITHOUT LEFT VENTRICULAR NONCOMPACTION. Identifiers: Orphanet 154, MedGen C2677338, MONDO:0012808, OMIM 612158.
Primary familial hypertrophic cardiomyopathy (HCM). Identifiers: Orphanet 99739, MedGen C0949658, MeSH D024741, MONDO:0024573. Inheritance: Various modes of inheritance.
Cardiovascular phenotype. Identifiers: MedGen CN230736.

Submissions (2):

Labcorp Genetics (formerly Invitae), Labcorp
Classification: Likely benign for Primary familial hypertrophic cardiomyopathy; Dilated cardiomyopathy 1AA. Last evaluated: 2025-08-29. Review status: criteria provided, single submitter. Criteria: Invitae Variant Classification Sherloc (09022015). Collection method: clinical testing. Allele origin: germline.

Ambry Genetics
Classification: Uncertain significance for Cardiovascular phenotype. Last evaluated: 2023-03-09. Review status: criteria provided, single submitter. Criteria: Ambry Variant Classification Scheme 2023. Collection method: clinical testing. Allele origin: germline.
Comment: The c.2508G>A variant (also known as p.R836R), located in coding exon 20 of the ACTN2 gene, results from a G to A substitution at nucleotide position 2508. This nucleotide substitution does not change the arginine at codon 836. This nucleotide position is poorly conserved in available vertebrate species. In silico splice site analysis for this alteration is inconclusive. Since supporting evidence is limited at this time, the clinical significance of this alteration remains unclear.

NM_001103.4(ACTN2):c.2508G>A (p.Arg836=)

Gene: ACTN2 (actinin alpha 2; plus strand). Cytogenetic location: 1q43.
Variant type: single nucleotide variant.
Coding change: c.2508G>A on transcript NM_001103.4 (MANE Select); coding-DNA position 2508, G replaced by A.
Protein change: p.Arg836=; no amino-acid change (arginine 836 retained).
Molecular consequence: synonymous variant.
Genome position (GRCh38, 1-based): chr1:236,761,155, G>A. VCF-style: chr1-236761155-G-A. GRCh37 (hg19) VCF-style: chr1-236924455-G-A.
Other names: c.2508G>A, p.Arg836= (NM_001278343.2); c.1884G>A, p.Arg628= (NM_001278344.2); c.2508G>A (NM_001103.2).
Identifiers: ClinVar variation 1563668 (VCV001563668.12), dbSNP rs2102951896, ClinGen allele CA423810878.